The following is an entry in ClinVar:

NM_133372.3(FNIP1):c.1585C>G (p.Gln529Glu)

Gene: FNIP1 (folliculin interacting protein 1; minus strand). Cytogenetic location: 5q31.1.
Variant type: single nucleotide variant.
Coding change: c.1585C>G on transcript NM_133372.3 (MANE Select); coding-DNA position 1585, C replaced by G.
Protein change: p.Gln529Glu; replaces glutamine 529 with glutamic acid.
Molecular consequence: missense variant.
Genome position (GRCh38, 1-based): chr5:131,672,859, G>C on the plus strand (C>G on the coding strand, the complement: FNIP1 is on the minus strand). VCF-style: chr5-131672859-G-C. GRCh37 (hg19) VCF-style: chr5-131008552-G-C.
Other names: c.1501C>G, p.Gln501Glu (NM_001008738.3); c.1450C>G, p.Gln484Glu (NM_001346114.2); short protein forms Q501E, Q529E, Q484E.
Identifiers: ClinVar variation 1985392 (VCV001985392.1), dbSNP rs1457075709, ClinGen allele CA360794070.

ClinVar aggregate classification (germline): Uncertain significance (1 of 4 stars; one submission).

gnomAD v4.1: 5 of 1,605,948 alleles (0.00031%); highest among the groups gnomAD compares: African/African-American, 0.0054%; no homozygotes.

Submission:

Labcorp Genetics (formerly Invitae), Labcorp
Classification: Uncertain significance. Last evaluated: 2022-03-01. Review status: criteria provided, single submitter. Criteria: Invitae Variant Classification Sherloc (09022015). Collection method: clinical testing. Allele origin: germline.
Comment: This sequence change replaces glutamine, which is neutral and polar, with glutamic acid, which is acidic and polar, at codon 529 of the FNIP1 protein (p.Gln529Glu). This variant is not present in population databases (gnomAD no frequency). This variant has not been reported in the literature in individuals affected with FNIP1-related conditions. Algorithms developed to predict the effect of missense changes on protein structure and function (SIFT, PolyPhen-2, Align-GVGD) all suggest that this variant is likely to be tolerated. In summary, the available evidence is currently insufficient to determine the role of this variant in disease. Therefore, it has been classified as a Variant of Uncertain Significance.